The following is an entry in ClinVar:

ClinVar aggregate classification (germline): Uncertain significance. Review status: criteria provided, multiple submitters, no conflicts (2 of 4 stars). 2 submissions from 2 submitters: Uncertain significance (2). Last evaluated 2025-01-05.

Conditions:
Brugada syndrome. Also called: Sudden unexplained nocturnal death syndrome; Sudden Unexplained Death Syndrome; Sudden Unexplained Nocturnal Death Syndrome (SUNDS); Sudden unexpected nocturnal death syndrome. Identifiers: Orphanet 130, MedGen C1142166, MONDO:0015263.
Cardiovascular phenotype. Identifiers: MedGen CN230736.

Allele frequency attached by ClinVar (database versions not stated): gnomAD 0.00001.

Submissions (2):

Labcorp Genetics (formerly Invitae), Labcorp
Classification: Uncertain significance for Brugada syndrome. Last evaluated: 2025-01-05. Review status: criteria provided, single submitter. Criteria: Invitae Variant Classification Sherloc (09022015). Collection method: clinical testing. Allele origin: germline.
Comment: This sequence change replaces methionine, which is neutral and non-polar, with valine, which is neutral and non-polar, at codon 147 of the SCN10A protein (p.Met147Val). This variant is not present in population databases (gnomAD no frequency). This variant has not been reported in the literature in individuals affected with SCN10A-related conditions. ClinVar contains an entry for this variant (Variation ID: 3225661). Invitae Evidence Modeling of protein sequence and biophysical properties (such as structural, functional, and spatial information, amino acid conservation, physicochemical variation, residue mobility, and thermodynamic stability) indicates that this missense variant is expected to disrupt SCN10A protein function with a positive predictive value of 80%. In summary, the available evidence is currently insufficient to determine the role of this variant in disease. Therefore, it has been classified as a Variant of Uncertain Significance.

Ambry Genetics
Classification: Uncertain significance for Cardiovascular phenotype. Last evaluated: 2023-10-02. Review status: criteria provided, single submitter. Criteria: Ambry Variant Classification Scheme 2023. Collection method: clinical testing. Allele origin: germline.
Comment: The p.M147V variant (also known as c.439A>G), located in coding exon 3 of the SCN10A gene, results from an A to G substitution at nucleotide position 439. The methionine at codon 147 is replaced by valine, an amino acid with highly similar properties. This amino acid position is conserved. In addition, this alteration is predicted to be deleterious by in silico analysis. Since supporting evidence is limited at this time, the clinical significance of this alteration remains unclear.

NM_006514.4(SCN10A):c.439A>G (p.Met147Val)

Gene: SCN10A (sodium voltage-gated channel alpha subunit 10; minus strand). Cytogenetic location: 3p22.2.
Variant type: single nucleotide variant.
Coding change: c.439A>G on transcript NM_006514.4 (MANE Select); coding-DNA position 439, A replaced by G.
Protein change: p.Met147Val; replaces methionine 147 with valine.
Molecular consequence: missense variant.
Genome position (GRCh38, 1-based): chr3:38,788,987, T>C on the plus strand (A>G on the coding strand, the complement: SCN10A is on the minus strand). VCF-style: chr3-38788987-T-C. GRCh37 (hg19) VCF-style: chr3-38830478-T-C.
Other names: c.439A>G, p.Met147Val (NM_001293306.2, NM_001293307.2); short protein forms M147V.
Identifiers: ClinVar variation 3225661 (VCV003225661.3), dbSNP rs2064244562, ClinGen allele CA352159874.